The following is an entry in ClinVar:

NM_001375808.2(LPIN2):c.1247C>T (p.Ala416Val)

Gene: LPIN2 (lipin 2; minus strand). Cytogenetic location: 18p11.31.
Variant type: single nucleotide variant.
Coding change: c.1247C>T on transcript NM_001375808.2 (MANE Select); coding-DNA position 1247, C replaced by T.
Protein change: p.Ala416Val; replaces alanine 416 with valine.
Molecular consequence: missense variant.
Genome position (GRCh38, 1-based): chr18:2,934,372, G>A on the plus strand (C>T on the coding strand, the complement: LPIN2 is on the minus strand). VCF-style: chr18-2934372-G-A. GRCh37 (hg19) VCF-style: chr18-2934370-G-A.
Other names: c.1247C>T, p.Ala416Val (NM_001375809.1, NM_014646.2); short protein forms A416V.
Identifiers: ClinVar variation 326641 (VCV000326641.7), dbSNP rs777239535, ClinGen allele CA8873162.

ClinVar aggregate classification (germline): Uncertain significance. Review status: criteria provided, multiple submitters, no conflicts (2 of 4 stars). 3 submissions from 3 submitters: Uncertain significance (3). Last evaluated 2024-11-24.

Conditions:
Inborn genetic diseases. Identifiers: MedGen C0950123, MeSH D030342.
Majeed syndrome (MJDS). Also called: CHRONIC RECURRENT MULTIFOCAL OSTEOMYELITIS 1, WITH CONGENITAL DYSERYTHROPOIETIC ANEMIA, WITH OR WITHOUT NEUTROPHILIC DERMATOSIS; LPIN2-Related Majeed Syndrome. Identifiers: Orphanet 77297, MedGen C1864997, MONDO:0012316, OMIM 609628.

Allele frequency attached by ClinVar (database versions not stated): ExAC 0.00001; gnomAD exomes 0.00001 and 0.00007; gnomAD 0.00002; TOPMed 0.00002.

Submissions (3):

Ambry Genetics
Classification: Uncertain significance for Inborn genetic diseases. Last evaluated: 2024-11-24. Review status: criteria provided, single submitter. Criteria: Ambry Variant Classification Scheme 2023. Collection method: clinical testing. Allele origin: germline.

Illumina Laboratory Services, Illumina
Classification: Uncertain significance for Majeed syndrome. Last evaluated: 2018-01-13. Review status: criteria provided, single submitter. Criteria: ICSL Variant Classification Criteria 13 December 2019. Collection method: clinical testing. Allele origin: germline.

GeneDx
Classification: Uncertain significance. Last evaluated: 2016-05-06. Review status: criteria provided, single submitter. Criteria: GeneDx Variant Classification (06012015). Collection method: clinical testing. Allele origin: germline. Affected: yes.
Comment: To our knowledge, the A416V variant in the LPIN2 gene has not been published as a pathogenic variant, nor has it been reported as a benign variant. The A416V variant was not observed in approximately 6,500 individuals of European and African American ancestry in the NHLBI Exome Sequencing Project, indicating it is not a common benign variant in these populations. It is a conservative amino acid substitution, which is not likely to impact secondary protein structure as these residues share similar properties. This substitution occurs at a position that is conserved in mammals; however, in silico analysis is inconsistent in its predictions as to whether or not the variant is damaging to the protein structure/function. Therefore, based on the currently available information, it is unclear whether this variant is a pathogenic variant or a rare benign variant.